The following is an entry in ClinVar:

NM_144997.7(FLCN):c.97G>A (p.Asp33Asn)

Gene: FLCN (folliculin; minus strand). Cytogenetic location: 17p11.2.
Variant type: single nucleotide variant.
Coding change: c.97G>A on transcript NM_144997.7 (MANE Select); coding-DNA position 97, G replaced by A.
Protein change: p.Asp33Asn; replaces aspartic acid 33 with asparagine.
Molecular consequence: missense variant.
Genome position (GRCh38, 1-based): chr17:17,228,041, C>T on the plus strand (G>A on the coding strand, the complement: FLCN is on the minus strand). VCF-style: chr17-17228041-C-T. GRCh37 (hg19) VCF-style: chr17-17131355-C-T.
Other names: c.97G>A, p.Asp33Asn (NM_001353229.2, NM_001353230.2, NM_001353231.2 and 1 more transcripts); short protein forms D33N.
Identifiers: ClinVar variation 3515631 (VCV003515631.1).

ClinVar aggregate classification (germline): Uncertain significance (1 of 4 stars; one submission).

Conditions:
Hereditary cancer-predisposing syndrome. Also called: Tumor predisposition; Neoplastic Syndromes, Hereditary; Hereditary Cancer Syndrome; Hereditary neoplastic syndrome. Identifiers: Orphanet 140162, MedGen C0027672, MeSH D009386, MONDO:0015356.

Submission:

Ambry Genetics
Classification: Uncertain significance for Hereditary cancer-predisposing syndrome. Last evaluated: 2024-07-28. Review status: criteria provided, single submitter. Criteria: Ambry Variant Classification Scheme 2023. Collection method: clinical testing. Allele origin: germline.
Comment: The p.D33N variant (also known as c.97G>A), located in coding exon 1 of the FLCN gene, results from a G to A substitution at nucleotide position 97. The aspartic acid at codon 33 is replaced by asparagine, an amino acid with highly similar properties. This amino acid position is conserved. In addition, this alteration is predicted to be tolerated by in silico analysis. Based on the available evidence, the clinical significance of this variant remains unclear.